The following is an entry in ClinVar:

NM_006059.4(LAMC3):c.2653G>A (p.Gly885Ser)

Gene: LAMC3 (laminin subunit gamma 3; plus strand). Cytogenetic location: 9q34.12.
Variant type: single nucleotide variant.
Coding change: c.2653G>A on transcript NM_006059.4 (MANE Select); coding-DNA position 2653, G replaced by A.
Protein change: p.Gly885Ser; replaces glycine 885 with serine.
Molecular consequence: missense variant.
Genome position (GRCh38, 1-based): chr9:131,068,137, G>A. VCF-style: chr9-131068137-G-A. GRCh37 (hg19) VCF-style: chr9-133943524-G-A.
Other names: short protein forms G885S.
Identifiers: ClinVar variation 1424923 (VCV001424923.8), dbSNP rs769409642, ClinGen allele CA5287522.

ClinVar aggregate classification (germline): Uncertain significance (1 of 4 stars; one submission).

Allele frequency attached by ClinVar (database versions not stated): TOPMed below 0.00001; ExAC 0.00001; gnomAD 0.00001; gnomAD exomes 0.00001.
gnomAD v4.1: 13 of 1,613,170 alleles (0.00081%); highest among the groups gnomAD compares: Non-Finnish European, 0.0011%; no homozygotes.

Submission:

Labcorp Genetics (formerly Invitae), Labcorp
Classification: Uncertain significance. Last evaluated: 2022-09-19. Review status: criteria provided, single submitter. Criteria: Invitae Variant Classification Sherloc (09022015). Collection method: clinical testing. Allele origin: germline.
Comment: In summary, the available evidence is currently insufficient to determine the role of this variant in disease. Therefore, it has been classified as a Variant of Uncertain Significance. Algorithms developed to predict the effect of missense changes on protein structure and function are either unavailable or do not agree on the potential impact of this missense change (SIFT: "Deleterious"; PolyPhen-2: "Probably Damaging"; Align-GVGD: "Class C0"). ClinVar contains an entry for this variant (Variation ID: 1424923). This variant has not been reported in the literature in individuals affected with LAMC3-related conditions. This variant is present in population databases (rs769409642, gnomAD 0.002%). This sequence change replaces glycine, which is neutral and non-polar, with serine, which is neutral and polar, at codon 885 of the LAMC3 protein (p.Gly885Ser).